The following is an entry in ClinVar:

NM_018418.5(SPATA7):c.123A>T (p.Arg41Ser)

Gene: SPATA7 (spermatogenesis associated 7; plus strand). Cytogenetic location: 14q31.3.
Variant type: single nucleotide variant.
Coding change: c.123A>T on transcript NM_018418.5 (MANE Select); coding-DNA position 123, A replaced by T.
Protein change: p.Arg41Ser; replaces arginine 41 with serine.
Molecular consequence: missense variant. On other transcripts: intron variant (1).
Genome position (GRCh38, 1-based): chr14:88,393,421, A>T. VCF-style: chr14-88393421-A-T. GRCh37 (hg19) VCF-style: chr14-88859765-A-T.
Other names: c.94+1966A>T (NM_001040428.4); short protein forms R41S.
Identifiers: ClinVar variation 1989492 (VCV001989492.3), dbSNP rs1163417502, ClinGen allele CA390546422.

ClinVar aggregate classification (germline): Uncertain significance (1 of 4 stars; one submission).

Conditions:
Leber congenital amaurosis 3 (LCA3). Also called: SPATA7-Related Retinitis Pigmentosa. Identifiers: MedGen C1858677, MONDO:0011415, OMIM 604232.

Allele frequency attached by ClinVar (database versions not stated): gnomAD exomes below 0.00001; gnomAD 0.00001; TOPMed 0.00002.
gnomAD v4.1: 6 of 1,603,726 alleles (0.00037%); highest among the groups gnomAD compares: Non-Finnish European, 0.00051%; no homozygotes.

Submission:

Labcorp Genetics (formerly Invitae), Labcorp
Classification: Uncertain significance for Leber congenital amaurosis 3. Last evaluated: 2022-05-29. Review status: criteria provided, single submitter. Criteria: Invitae Variant Classification Sherloc (09022015). Collection method: clinical testing. Allele origin: germline.
Comment: In summary, the available evidence is currently insufficient to determine the role of this variant in disease. Therefore, it has been classified as a Variant of Uncertain Significance. Algorithms developed to predict the effect of missense changes on protein structure and function are either unavailable or do not agree on the potential impact of this missense change (SIFT: "Tolerated"; PolyPhen-2: "Probably Damaging"; Align-GVGD: "Class C0"). This variant has not been reported in the literature in individuals affected with SPATA7-related conditions. This variant is not present in population databases (gnomAD no frequency). This sequence change replaces arginine, which is basic and polar, with serine, which is neutral and polar, at codon 41 of the SPATA7 protein (p.Arg41Ser).